The following is an entry in ClinVar:

NM_000443.4(ABCB4):c.3050T>C (p.Ile1017Thr)

Gene: ABCB4 (ATP binding cassette subfamily B member 4; minus strand). Cytogenetic location: 7q21.12.
Variant type: single nucleotide variant.
Coding change: c.3050T>C on transcript NM_000443.4 (MANE Select); coding-DNA position 3050, T replaced by C.
Protein change: p.Ile1017Thr; replaces isoleucine 1017 with threonine.
Molecular consequence: missense variant.
Genome position (GRCh38, 1-based): chr7:87,409,267, A>G on the plus strand (T>C on the coding strand, the complement: ABCB4 is on the minus strand). VCF-style: chr7-87409267-A-G. GRCh37 (hg19) VCF-style: chr7-87038583-A-G.
Other names: c.3050T>C, p.Ile1017Thr (NM_018849.3); c.2909T>C, p.Ile970Thr (NM_018850.3); short protein forms I1017T, I970T.
Identifiers: ClinVar variation 2635663 (VCV002635663.2), dbSNP rs755016053, ClinGen allele CA4326875.

ClinVar aggregate classification (germline): Uncertain significance (1 of 4 stars; one submission).

Conditions:
ABCB4-related disorder. Also called: ABCB4-related disorders; ABCB4-related condition.

Allele frequency attached by ClinVar (database versions not stated): ExAC 0.00001; gnomAD exomes 0.00001; gnomAD 0.00002; TOPMed 0.00004.
gnomAD v4.1: 13 of 1,614,004 alleles (0.00081%); highest among the groups gnomAD compares: African/African-American, 0.0067%; no homozygotes.

Submission:

PreventionGenetics, part of Exact Sciences
Classification: Uncertain significance for ABCB4-related condition. Last evaluated: 2026-06-16. Review status: criteria provided, single submitter. Criteria: ACMG Guidelines, 2015. Collection method: clinical testing. Allele origin: germline.
Comment: The ABCB4 c.3050T>C variant is predicted to result in the amino acid substitution p.Ile1017Thr. To our knowledge, this variant has not been reported in the literature. This variant is reported in 0.0056% of alleles in individuals of Latino descent in gnomAD. At this time, the clinical significance of this variant is uncertain due to the absence of conclusive functional and genetic evidence.